The following is an entry in ClinVar:

NM_021072.4(HCN1):c.2514_2515del (p.Val839fs)

Gene: HCN1 (hyperpolarization activated cyclic nucleotide gated potassium channel 1; minus strand). Cytogenetic location: 5p12.
Variant type: Microsatellite.
Coding change: c.2514_2515del on transcript NM_021072.4 (MANE Select); coding-DNA positions 2514 to 2515, 2 bases deleted (CG; older notation c.2514_2515delCG).
Protein change: p.Val839fs; shifts the reading frame from valine 839.
Molecular consequence: frameshift variant.
Genome position (GRCh38, 1-based): chr5:45,262,079-45,262,080, CG deleted on the plus strand (CG on the coding strand, the reverse complement: HCN1 is on the minus strand); deleting any 2 consecutive bases within chr5:45,262,079-45,262,083 gives the same sequence; the c. name uses the placement nearest the transcript's 3' end. VCF-style (leftmost placement, unchanged base first): chr5-45262078-ACG-A. GRCh37 (hg19) VCF-style: chr5-45262180-ACG-A.
Other names: short protein forms V839fs.
Identifiers: ClinVar variation 3368310 (VCV003368310.1).

ClinVar aggregate classification (germline): Uncertain significance (1 of 4 stars; one submission).

Submission:

GeneDx
Classification: Uncertain significance. Last evaluated: 2024-01-24. Review status: criteria provided, single submitter. Criteria: GeneDx Variant Classification Process June 2021. Collection method: clinical testing. Allele origin: germline. Affected: yes.
Comment: Not observed at significant frequency in large population cohorts (gnomAD); Frameshift variant predicted to result in abnormal protein length as the last 52 amino acids are replaced with 86 different amino acids in a gene for which loss-of-function is not a known mechanism of disease; Has not been previously published as pathogenic or benign to our knowledge